The following is an entry in ClinVar:

NM_001110556.2(FLNA):c.1376C>A (p.Thr459Lys)

Gene: FLNA (filamin A; minus strand). Cytogenetic location: Xq28.
Variant type: single nucleotide variant.
Coding change: c.1376C>A on transcript NM_001110556.2 (MANE Select); coding-DNA position 1376, C replaced by A.
Protein change: p.Thr459Lys; replaces threonine 459 with lysine.
Molecular consequence: missense variant.
Genome position (GRCh38, 1-based): chrX:154,366,077, G>T on the plus strand (C>A on the coding strand, the complement: FLNA is on the minus strand). VCF-style: chrX-154366077-G-T. GRCh37 (hg19) VCF-style: chrX-153594445-G-T.
Other names: c.1376C>A, p.Thr459Lys (NM_001456.4); short protein forms T459K.
Identifiers: ClinVar variation 936930 (VCV000936930.10), dbSNP rs375463904, ClinGen allele CA415243707.

ClinVar aggregate classification (germline): Uncertain significance (1 of 4 stars; one submission).

Conditions:
Frontometaphyseal dysplasia (FMD1). Identifiers: Orphanet 1826, MedGen C0265293, MONDO:0015942.
Heterotopia, periventricular, X-linked dominant (PVNH1). Also called: PERIVENTRICULAR NODULAR HETEROTOPIA 1; X-linked periventricular heterotopia; PERIVENTRICULAR NODULAR HETEROTOPIA 4; HETEROTOPIA, PERIVENTRICULAR, 1. Identifiers: Orphanet 2149, Orphanet 82004, MedGen C1848213, MONDO:0010233, OMIM 300049.
Melnick-Needles syndrome (MNS). Also called: MELNICK-NEEDLES OSTEODYSPLASTY; OSTEODYSPLASTY OF MELNICK AND NEEDLES; Melnick-Needles Syndrome (FLNA-MNS). Identifiers: Orphanet 2484, MedGen C0025237, MONDO:0010650, OMIM 309350.
Oto-palato-digital syndrome, type II (OPD2). Also called: OPD II SYNDROME; FACIOPALATOOSSEOUS SYNDROME; Otopalatodigital Syndrome Type 2 (FLNA-OPD2); Otopalatodigital Syndrome, Type II. Identifiers: Orphanet 669, Orphanet 90652, MedGen C1844696, MONDO:0010571, OMIM 304120.

Submission:

Labcorp Genetics (formerly Invitae), Labcorp
Classification: Uncertain significance for Oto-palato-digital syndrome, type II; Heterotopia, periventricular, X-linked dominant; Frontometaphyseal dysplasia; Melnick-Needles syndrome. Last evaluated: 2025-08-15. Review status: criteria provided, single submitter. Criteria: Invitae Variant Classification Sherloc (09022015). Collection method: clinical testing. Allele origin: germline.
Comment: This sequence change replaces threonine, which is neutral and polar, with lysine, which is basic and polar, at codon 459 of the FLNA protein (p.Thr459Lys). This variant is not present in population databases (gnomAD no frequency). This variant has not been reported in the literature in individuals affected with FLNA-related conditions. ClinVar contains an entry for this variant (Variation ID: 936930). Invitae Evidence Modeling of protein sequence and biophysical properties (such as structural, functional, and spatial information, amino acid conservation, physicochemical variation, residue mobility, and thermodynamic stability) indicates that this missense variant is not expected to disrupt FLNA protein function with a negative predictive value of 95%. In summary, the available evidence is currently insufficient to determine the role of this variant in disease. Therefore, it has been classified as a Variant of Uncertain Significance.